The following is an entry in ClinVar:

NM_199420.4(POLQ):c.4533A>T (p.Glu1511Asp)

Gene: POLQ (DNA polymerase theta; minus strand). Cytogenetic location: 3q13.33.
Variant type: single nucleotide variant.
Coding change: c.4533A>T on transcript NM_199420.4 (MANE Select); coding-DNA position 4533, A replaced by T.
Protein change: p.Glu1511Asp; replaces glutamic acid 1511 with aspartic acid.
Molecular consequence: missense variant.
Genome position (GRCh38, 1-based): chr3:121,488,398, T>A on the plus strand (A>T on the coding strand, the complement: POLQ is on the minus strand). VCF-style: chr3-121488398-T-A. GRCh37 (hg19) VCF-style: chr3-121207245-T-A.
Other names: short protein forms E1511D.
Identifiers: ClinVar variation 3308510 (VCV003308510.1).
Genomic context (GRCh38, chr3:121,488,398, plus strand): 5'-GTCTTCTTGTAGACACAGAGAATCACTAAAATGGTTTGATGTTACTTCTGAAGGAAGGGG[T>A]TCTTTCATTTGCATATCAGGTAATTGTTCTTTTACTAGATAGTCATCACTGAAGCTATCA-3'
Protein context (NP_955452.3, residues 1501-1521): KEQLPDMQMK[Glu1511Asp]PLPSEVTSNH

ClinVar aggregate classification (germline): Uncertain significance (1 of 4 stars; one submission).

gnomAD v4.1: 6 of 1,612,770 alleles (0.00037%); highest among the groups gnomAD compares: African/African-American, 0.008%; no homozygotes.

Submission:

Ambry Genetics
Classification: Uncertain significance. Last evaluated: 2024-06-09. Review status: criteria provided, single submitter. Criteria: Ambry Variant Classification Scheme 2023. Collection method: clinical testing. Allele origin: germline.
Comment: The p.E1511D variant (also known as c.4533A>T), located in coding exon 16 of the POLQ gene, results from an A to T substitution at nucleotide position 4533. The glutamic acid at codon 1511 is replaced by aspartic acid, an amino acid with highly similar properties. This amino acid position is conserved. In addition, this alteration is predicted to be tolerated by in silico analysis. Based on the available evidence, the clinical significance of this variant remains unclear.